The following is an entry in ClinVar:

NM_005996.4(TBX3):c.*397A>C

Gene: TBX3 (T-box transcription factor 3; minus strand). Cytogenetic location: 12q24.21.
Variant type: single nucleotide variant.
Coding change: c.*397A>C on transcript NM_005996.4 (MANE Select); 397 bases downstream of the stop codon, A replaced by C.
Molecular consequence: 3 prime UTR variant.
Genome position (GRCh38, 1-based): chr12:114,671,444, T>G on the plus strand (A>C on the coding strand, the complement: TBX3 is on the minus strand). VCF-style: chr12-114671444-T-G. GRCh37 (hg19) VCF-style: chr12-115109249-T-G.
Other names: c.*397A>C (NM_016569.4).
Identifiers: ClinVar variation 307344 (VCV000307344.5), dbSNP rs3741699, ClinGen allele CA10640351.

ClinVar aggregate classification (germline): Benign (1 of 4 stars; one submission).

Conditions:
Ulnar-mammary syndrome (UMS). Also called: SCHINZEL SYNDROME; Ulnar-mammary syndrome of Pallister; PALLISTER ULNAR-MAMMARY SYNDROME. Identifiers: Orphanet 3138, MedGen C1866994, MONDO:0008411, OMIM 181450.

Allele frequency attached by ClinVar (database versions not stated): gnomAD 0.00021 and 0.00031; TOPMed 0.00044; gnomAD exomes 0.00151; 1000 Genomes Project 30x 0.00172; 1000 Genomes Project 0.00200.
gnomAD v4.1: 243 of 291,116 alleles (0.083%); highest among the groups gnomAD compares: East Asian, 1.2%; 2 homozygotes.

Submission:

Illumina Laboratory Services, Illumina
Classification: Benign for Ulnar-mammary syndrome. Last evaluated: 2018-01-13. Review status: criteria provided, single submitter. Criteria: ICSL Variant Classification Criteria 13 December 2019. Collection method: clinical testing. Allele origin: germline.
Comment: This variant was observed in the ICSL laboratory as part of a predisposition screen in an ostensibly healthy population. It had not been previously curated by ICSL or reported in the Human Gene Mutation Database (HGMD: prior to June 1st, 2018), and was therefore a candidate for classification through an automated scoring system. Utilizing variant allele frequency, disease prevalence and penetrance estimates, and inheritance mode, an automated score was calculated to assess if this variant is too frequent to cause the disease. Based on the score and internal cut-off values, a variant classified as benign is not then subjected to further curation. The score for this variant resulted in a classification of benign for this disease.